The following is an entry in ClinVar:

ClinVar aggregate classification (germline): Uncertain significance (1 of 4 stars; one submission).

Submission:

Labcorp Genetics (formerly Invitae), Labcorp
Classification: Uncertain significance. Last evaluated: 2024-05-15. Review status: criteria provided, single submitter. Criteria: Invitae Variant Classification Sherloc (09022015). Collection method: clinical testing. Allele origin: germline.
Comment: This sequence change replaces glutamine, which is neutral and polar, with proline, which is neutral and non-polar, at codon 3019 of the KMT2C protein (p.Gln3019Pro). This variant is not present in population databases (gnomAD no frequency). This variant has not been reported in the literature in individuals affected with KMT2C-related conditions. Advanced modeling of protein sequence and biophysical properties (such as structural, functional, and spatial information, amino acid conservation, physicochemical variation, residue mobility, and thermodynamic stability) performed at Invitae indicates that this missense variant is not expected to disrupt KMT2C protein function with a negative predictive value of 80%. In summary, the available evidence is currently insufficient to determine the role of this variant in disease. Therefore, it has been classified as a Variant of Uncertain Significance.

NM_170606.3(KMT2C):c.9056A>C (p.Gln3019Pro)

Gene: KMT2C (lysine methyltransferase 2C; minus strand). Cytogenetic location: 7q36.1.
Variant type: single nucleotide variant.
Coding change: c.9056A>C on transcript NM_170606.3 (MANE Select); coding-DNA position 9056, A replaced by C.
Protein change: p.Gln3019Pro; replaces glutamine 3019 with proline.
Molecular consequence: missense variant.
Genome position (GRCh38, 1-based): chr7:152,176,397, T>G on the plus strand (A>C on the coding strand, the complement: KMT2C is on the minus strand). VCF-style: chr7-152176397-T-G. GRCh37 (hg19) VCF-style: chr7-151873482-T-G.
Other names: short protein forms Q3019P.
Identifiers: ClinVar variation 3653525 (VCV003653525.2).